The following is an entry in ClinVar:

NM_001369268.1(ACAN):c.7327C>A (p.Gln2443Lys)

Gene: ACAN (aggrecan; plus strand). Cytogenetic location: 15q26.1.
Variant type: single nucleotide variant.
Coding change: c.7327C>A on transcript NM_001369268.1 (MANE Select); coding-DNA position 7327, C replaced by A.
Protein change: p.Gln2443Lys; replaces glutamine 2443 with lysine.
Molecular consequence: missense variant.
Genome position (GRCh38, 1-based): chr15:88,872,905, C>A. VCF-style: chr15-88872905-C-A. GRCh37 (hg19) VCF-style: chr15-89416136-C-A.
Other names: c.7099C>A, p.Gln2367Lys (NM_001135.4); c.7213C>A, p.Gln2405Lys (NM_013227.4); short protein forms Q2367K, Q2405K, Q2443K.
Identifiers: ClinVar variation 975866 (VCV000975866.11), dbSNP rs758352547, ClinGen allele CA274496539.

ClinVar aggregate classification (germline): Uncertain significance. Review status: criteria provided, multiple submitters, no conflicts (2 of 4 stars). 3 submissions from 3 submitters: Uncertain significance (3). Last evaluated 2025-10-28.

Conditions:
Osteochondritis dissecans. Identifiers: Orphanet 251262, Orphanet 2764, MedGen C0029421, MONDO:0017178, HP:0010886.
Inborn genetic diseases. Identifiers: MedGen C0950123, MeSH D030342.

Allele frequency attached by ClinVar (database versions not stated): gnomAD 0.00002; TOPMed 0.00002; gnomAD exomes 0.00003 and 0.00005.
gnomAD v4.1: 71 of 1,613,666 alleles (0.0044%); highest among the groups gnomAD compares: Non-Finnish European, 0.0059%; no homozygotes.

Submissions (3):

Labcorp Genetics (formerly Invitae), Labcorp
Classification: Uncertain significance. Last evaluated: 2025-10-28. Review status: criteria provided, single submitter. Criteria: Invitae Variant Classification Sherloc (09022015). Collection method: clinical testing. Allele origin: germline.
Comment: This sequence change replaces glutamine, which is neutral and polar, with lysine, which is basic and polar, at codon 2405 of the ACAN protein (p.Gln2405Lys). This variant is present in population databases (rs758352547, gnomAD 0.007%). This variant has not been reported in the literature in individuals affected with ACAN-related conditions. ClinVar contains an entry for this variant (Variation ID: 975866). An algorithm developed to predict the effect of missense changes on protein structure and function (PolyPhen-2) suggests that this variant is likely to be disruptive. In summary, the available evidence is currently insufficient to determine the role of this variant in disease. Therefore, it has been classified as a Variant of Uncertain Significance.

Ambry Genetics
Classification: Uncertain significance for Inborn genetic diseases. Last evaluated: 2025-08-04. Review status: criteria provided, single submitter. Criteria: Ambry Variant Classification Scheme 2023. Collection method: clinical testing. Allele origin: germline.

Institute of Human Genetics, University of Leipzig Medical Center
Classification: Uncertain significance for Short stature and advanced bone age, with or without early-onset osteoarthritis and/or osteochondritis dissecans. Last evaluated: 2019-01-18. Review status: criteria provided, single submitter. Criteria: ACMG Guidelines, 2015. Collection method: clinical testing. Allele origin: germline. Affected: yes. Observed: 1 variant allele.